The following is an entry in ClinVar:

ClinVar aggregate classification (germline): Pathogenic/Likely pathogenic. Review status: criteria provided, multiple submitters, no conflicts (2 of 4 stars). 2 submissions from 2 submitters: Pathogenic (1); Likely pathogenic (1). Last evaluated 2019-09-24.

Conditions:
Marfan syndrome (MFS). Also called: MARFAN SYNDROME, TYPE I; FBN1-Related Marfan Syndrome; Marfan syndrome type 1; Marfan's syndrome; Marfan syndrome, classic. Identifiers: Orphanet 284963, Orphanet 558, MedGen C0024796, MONDO:0007947, OMIM 154700.
Familial thoracic aortic aneurysm and aortic dissection (TAAD). Also called: Thoracic aortic aneurysms and dissections. Identifiers: Orphanet 91387, MedGen C4707243, MONDO:0019625.

Submissions (2):

Labcorp Genetics (formerly Invitae), Labcorp
Classification: Pathogenic for Marfan syndrome; Familial thoracic aortic aneurysm and aortic dissection. Last evaluated: 2019-09-24. Review status: criteria provided, single submitter. Criteria: Invitae Variant Classification Sherloc (09022015). Collection method: clinical testing. Allele origin: germline.
Comment: For these reasons, this variant has been classified as Pathogenic. Loss-of-function variants in FBN1 are known to be pathogenic (PMID: 17657824, 19293843). This variant has been observed in an individual affected with Marfan syndrome (PMID: 19012347). ClinVar contains an entry for this variant (Variation ID: 449442). This variant is not present in population databases (ExAC no frequency). This sequence change creates a premature translational stop signal (p.Gln536*) in the FBN1 gene. It is expected to result in an absent or disrupted protein product.

GeneDx
Classification: Likely pathogenic. Last evaluated: 2017-03-20. Review status: criteria provided, single submitter. Criteria: GeneDx Variant Classification (06012015). Collection method: clinical testing. Allele origin: germline. Affected: yes.
Comment: This individual was not formally diagnosed with Marfan syndrome per original Ghent diagnostic criteria because they reportedly did not fulfill a major criterion for skeletal system involvement (Rybczynski et al., 2008); however, further details regarding this individual's clinical features and segregation studies were not described. The Q536X likely pathogenic variant is predicted to cause loss of normal protein function either by protein truncation or nonsense-mediated mRNA decay. Multiple other nonsense variants in the FBN1 gene have been reported in Human Gene Mutation Database in association with FBN1-related disorders, including Marfan syndrome (Stenson et al., 2014). Furthermore, the Q536X variant is not observed in large population cohorts (Lek et al., 2016; 1000 Genomes Consortium et al., 2015; Exome Variant Server).

Literature cited by the submitters: PubMed 17657824 (cited by Labcorp Genetics (formerly Invitae), Labcorp); PubMed 19293843 (cited by Labcorp Genetics (formerly Invitae), Labcorp); PubMed 19012347 (cited by Labcorp Genetics (formerly Invitae), Labcorp).

NM_000138.5(FBN1):c.1606C>T (p.Gln536Ter)

Gene: FBN1 (fibrillin 1; minus strand). Cytogenetic location: 15q21.1.
Variant type: single nucleotide variant.
Coding change: c.1606C>T on transcript NM_000138.5 (MANE Select); coding-DNA position 1606, C replaced by T.
Protein change: p.Gln536Ter; replaces glutamine 536 with a stop codon.
Molecular consequence: nonsense.
Genome position (GRCh38, 1-based): chr15:48,510,152, G>A on the plus strand (C>T on the coding strand, the complement: FBN1 is on the minus strand). VCF-style: chr15-48510152-G-A. GRCh37 (hg19) VCF-style: chr15-48802349-G-A.
Other names: short protein forms Q536*.
Identifiers: ClinVar variation 449442 (VCV000449442.11), dbSNP rs1479709398, ClinGen allele CA392341326.